The following is an entry in ClinVar:

NM_012282.4(KCNE5):c.346G>T (p.Ala116Ser)

Gene: KCNE5 (potassium voltage-gated channel subfamily E regulatory subunit 5; minus strand). Cytogenetic location: Xq23.
Variant type: single nucleotide variant.
Coding change: c.346G>T on transcript NM_012282.4 (MANE Select); coding-DNA position 346, G replaced by T.
Protein change: p.Ala116Ser; replaces alanine 116 with serine.
Molecular consequence: missense variant.
Genome position (GRCh38, 1-based): chrX:109,624,675, C>A on the plus strand (G>T on the coding strand, the complement: KCNE5 is on the minus strand). VCF-style: chrX-109624675-C-A. GRCh37 (hg19) VCF-style: chrX-108867904-C-A.
Other names: short protein forms A116S.
Identifiers: ClinVar variation 2449947 (VCV002449947.2), dbSNP rs764993726, ClinGen allele CA414213055.
Genomic context (GRCh38, chrX:109,624,675, plus strand): 5'-CGAGGGCAGGCAGCCCCTCGGAGGCAAGCTGGCGGCGGCCCTCGGCCTGGGAGCCCGCGG[C>A]AGCCTCGGCGTCGGCGGTCAGGGCGCCTCCCGGGGCCCATTCGTGCTCGGCGCAAGCCTG-3'
Protein context (NP_036414.1, residues 106-126): GGALTADAEA[Ala116Ser]AGSQAEGRRQ

ClinVar aggregate classification (germline): Uncertain significance (1 of 4 stars; one submission).

Submission:

Ambry Genetics
Classification: Uncertain significance. Last evaluated: 2023-01-18. Review status: criteria provided, single submitter. Criteria: Ambry Variant Classification Scheme 2023. Collection method: clinical testing. Allele origin: germline.
Comment: The p.A116S variant (also known as c.346G>T), located in coding exon 1 of the KCNE5 gene, results from a G to T substitution at nucleotide position 346. The alanine at codon 116 is replaced by serine, an amino acid with similar properties. This amino acid position is conserved. In addition, this alteration is predicted to be tolerated by in silico analysis. Since supporting evidence is limited at this time, the clinical significance of this alteration remains unclear.